The following is an entry in ClinVar:

ClinVar aggregate classification (germline): Uncertain significance (1 of 4 stars; one submission).

Submission:

GeneDx
Classification: Uncertain significance. Last evaluated: 2019-07-31. Review status: criteria provided, single submitter. Criteria: GeneDx Variant Classification Process June 2021. Collection method: clinical testing. Allele origin: germline. Affected: yes.
Comment: Not observed in large population cohorts (Lek et al., 2016); In silico analysis, which includes protein predictors and evolutionary conservation, supports that this variant does not alter protein structure/function; Has not been previously published as pathogenic or benign to our knowledge

NM_006907.4(PYCR1):c.731T>C (p.Val244Ala)

Gene: PYCR1 (pyrroline-5-carboxylate reductase 1; minus strand). Cytogenetic location: 17q25.3.
Variant type: single nucleotide variant.
Coding change: c.731T>C on transcript NM_006907.4 (MANE Select); coding-DNA position 731, T replaced by C.
Protein change: p.Val244Ala; replaces valine 244 with alanine.
Molecular consequence: missense variant. On other transcripts: intron variant (1).
Genome position (GRCh38, 1-based): chr17:81,934,392, A>G on the plus strand (T>C on the coding strand, the complement: PYCR1 is on the minus strand). VCF-style: chr17-81934392-A-G. GRCh37 (hg19) VCF-style: chr17-79892268-A-G.
Other names: c.638T>C, p.Val213Ala (NM_001282279.2); c.731T>C, p.Val244Ala (NM_001282280.2, NM_153824.3); c.812T>C, p.Val271Ala (NM_001282281.2); c.633+261T>C (NM_001330523.2); short protein forms V213A, V244A, V271A.
Identifiers: ClinVar variation 1302647 (VCV001302647.2), dbSNP rs1294393520, ClinGen allele CA401537064.
Genomic context (GRCh38, chr17:81,934,392, plus strand): 5'-CGGATGCAGGAGGCCTCCACAGCGTTGATGAGCAGGGAGCGGAAGCCCCCACTCTCCAGC[A>G]CATGCAAGGCATGGATGGTGGCCCCACCAGGAGAGCTGACGTTGTCCTTGAGCTGGCCTG-3'
Protein context (NP_008838.2, residues 234-254): PGGATIHALH[Val244Ala]LESGGFRSLL